The following is an entry in ClinVar:

NM_002317.7(LOX):c.30C>T (p.Leu10=)

Genes: LOX (lysyl oxidase; minus strand), SRFBP1 (serum response factor binding protein 1; plus strand). Cytogenetic location: 5q23.1.
Variant type: single nucleotide variant.
Coding change: c.30C>T on transcript NM_002317.7 (MANE Select); coding-DNA position 30, C replaced by T.
Protein change: p.Leu10=; no amino-acid change (leucine 10 retained).
Molecular consequence: synonymous variant.
Genome position (GRCh38, 1-based): chr5:122,077,956, G>A on the plus strand (C>T on the coding strand, the complement: LOX is on the minus strand). VCF-style: chr5-122077956-G-A. GRCh37 (hg19) VCF-style: chr5-121413651-G-A.
Identifiers: ClinVar variation 715873 (VCV000715873.28), dbSNP rs200980580, ClinGen allele CA3384145.

ClinVar aggregate classification (germline): Benign/Likely benign. Review status: criteria provided, multiple submitters, no conflicts (2 of 4 stars). 6 submissions from 6 submitters: Benign (1); Likely benign (5). Last evaluated 2025-11-18.

Conditions:
Cardiovascular phenotype. Identifiers: MedGen CN230736.
Aortic aneurysm, familial thoracic 10 (AAT10). Identifiers: MedGen C4284414, MONDO:0014950, OMIM 617168.

Allele frequency attached by ClinVar (database versions not stated): gnomAD 0.00003; gnomAD exomes 0.00003; TOPMed 0.00003; ExAC 0.00007.
gnomAD v4.1: 72 of 1,477,066 alleles (0.0049%); highest among the groups gnomAD compares: Middle Eastern, 0.11%; 1 homozygote.

Submissions (6):

Labcorp Genetics (formerly Invitae), Labcorp
Classification: Likely benign. Last evaluated: 2025-11-18. Review status: criteria provided, single submitter. Criteria: Invitae Variant Classification Sherloc (09022015). Collection method: clinical testing. Allele origin: germline.

ARUP Laboratories, Molecular Genetics and Genomics, ARUP Laboratories
Classification: Likely benign for Aortic aneurysm, familial thoracic 10. Last evaluated: 2025-06-04. Review status: criteria provided, single submitter. Criteria: ARUP Molecular Germline Variant Investigation Process 2024. Collection method: clinical testing. Allele origin: germline.

CeGaT Center for Human Genetics Tuebingen
Classification: Likely benign. Last evaluated: 2025-02-01. Review status: criteria provided, single submitter. Criteria: CeGaT Center For Human Genetics Tuebingen Variant Classification Criteria Version 2. Collection method: clinical testing. Allele origin: germline. Affected: yes. Observed: 1 variant allele.
Comment: LOX: BP4, BP7

Blueprint Genetics
Classification: Benign. Last evaluated: 2024-06-11. Review status: criteria provided, single submitter. Criteria: ACMG Guidelines, 2015. Collection method: clinical testing. Allele origin: germline.

GeneDx
Classification: Likely benign. Last evaluated: 2021-04-22. Review status: criteria provided, single submitter. Criteria: GeneDx Variant Classification Process June 2021. Collection method: clinical testing. Allele origin: germline. Affected: yes.

Ambry Genetics
Classification: Likely benign for Cardiovascular phenotype. Last evaluated: 2019-11-08. Review status: criteria provided, single submitter. Criteria: Ambry Variant Classification Scheme 2023. Collection method: clinical testing. Allele origin: germline.